The following is an entry in ClinVar:

ClinVar aggregate classification (germline): Likely benign (1 of 4 stars; one submission).

gnomAD v4.1: 606 of 1,613,278 alleles (0.038%); highest among the groups gnomAD compares: African/African-American, 0.21%; 1 homozygote.

Submission:

CeGaT Center for Human Genetics Tuebingen
Classification: Likely benign. Last evaluated: 2024-07-01. Review status: criteria provided, single submitter. Criteria: CeGaT Center For Human Genetics Tuebingen Variant Classification Criteria Version 2. Collection method: clinical testing. Allele origin: germline. Affected: yes. Observed: 1 variant allele.
Comment: SERPINB3: BP4, BP7

NM_006919.3(SERPINB3):c.42C>T (p.Asp14=)

Gene: SERPINB3 (serpin family B member 3; minus strand). Cytogenetic location: 18q21.33.
Variant type: single nucleotide variant.
Coding change: c.42C>T on transcript NM_006919.3 (MANE Select); coding-DNA position 42, C replaced by T.
Protein change: p.Asp14=; no amino-acid change (aspartic acid 14 retained).
Molecular consequence: synonymous variant.
Genome position (GRCh38, 1-based): chr18:63,661,175, G>A on the plus strand (C>T on the coding strand, the complement: SERPINB3 is on the minus strand). VCF-style: chr18-63661175-G-A. GRCh37 (hg19) VCF-style: chr18-61328409-G-A.
Identifiers: ClinVar variation 3257006 (VCV003257006.17).